The following is an entry in ClinVar:

ClinVar aggregate classification (germline): Uncertain significance (1 of 4 stars; one submission).

Conditions:
Early-onset Parkinson disease 20. Also called: PARKINSON DISEASE 20, AUTOSOMAL RECESSIVE EARLY-ONSET. Identifiers: Orphanet 391411, MedGen C3809824, MONDO:0014233, OMIM 615530.
Developmental and epileptic encephalopathy, 53. Also called: Epileptic encephalopathy, early infantile, 53. Identifiers: MedGen C4479313, MONDO:0033362, OMIM 617389.

Allele frequency attached by ClinVar (database versions not stated): gnomAD exomes 0.00001 and 0.00002; TOPMed 0.00001; gnomAD 0.00002.
gnomAD v4.1: 22 of 1,469,972 alleles (0.0015%); highest among the groups gnomAD compares: African/African-American, 0.0029%; no homozygotes.

Submission:

Labcorp Genetics (formerly Invitae), Labcorp
Classification: Uncertain significance for Developmental and epileptic encephalopathy, 53; Early-onset Parkinson disease 20. Last evaluated: 2022-07-19. Review status: criteria provided, single submitter. Criteria: Invitae Variant Classification Sherloc (09022015). Collection method: clinical testing. Allele origin: germline.
Comment: This sequence change replaces arginine, which is basic and polar, with glutamine, which is neutral and polar, at codon 1146 of the SYNJ1 protein (p.Arg1146Gln). This variant is present in population databases (no rsID available, gnomAD 0.007%). This variant has not been reported in the literature in individuals affected with SYNJ1-related conditions. ClinVar contains an entry for this variant (Variation ID: 569857). Algorithms developed to predict the effect of missense changes on protein structure and function are either unavailable or do not agree on the potential impact of this missense change (SIFT: "Tolerated"; PolyPhen-2: "Probably Damaging"; Align-GVGD: "Class C0"). In summary, the available evidence is currently insufficient to determine the role of this variant in disease. Therefore, it has been classified as a Variant of Uncertain Significance.

NM_203446.3(SYNJ1):c.3320G>A (p.Arg1107Gln)

Gene: SYNJ1 (synaptojanin 1; minus strand). Cytogenetic location: 21q22.11.
Variant type: single nucleotide variant.
Coding change: c.3320G>A on transcript NM_203446.3 (MANE Select); coding-DNA position 3320, G replaced by A.
Protein change: p.Arg1107Gln; replaces arginine 1107 with glutamine.
Molecular consequence: missense variant.
Genome position (GRCh38, 1-based): chr21:32,645,717, C>T on the plus strand (G>A on the coding strand, the complement: SYNJ1 is on the minus strand). VCF-style: chr21-32645717-C-T. GRCh37 (hg19) VCF-style: chr21-34018027-C-T.
Other names: c.3320G>A, p.Arg1107Gln (NM_001160302.2); c.3305G>A, p.Arg1102Gln (NM_001160306.2); c.3437G>A, p.Arg1146Gln (NM_003895.4); short protein forms R1146Q, R1102Q, R1107Q.
Identifiers: ClinVar variation 569857 (VCV000569857.6), dbSNP rs917502531, ClinGen allele CA319422834.
Genomic context (GRCh38, chr21:32,645,717, plus strand): 5'-GGAGGTCTCTGTGGGGGAGCCGGGCGTGTGGGAGGGGCGACCGGGCGGGGCGGCGGCGGC[C>T]GCTTGGGCTCCAAGGGCTGGGCGGGGTCTTTCTGCGGCAGCGGCGTTGCTGGCTGCGCGT-3'
Protein context (NP_982271.3, residues 1097-1117): KDPAQPLEPK[Arg1107Gln]PPPPRPVAPP